The following is an entry in ClinVar:

NM_020549.5(CHAT):c.1663G>T (p.Glu555Ter)

Gene: CHAT (choline O-acetyltransferase; plus strand). Cytogenetic location: 10q11.23.
Variant type: single nucleotide variant.
Coding change: c.1663G>T on transcript NM_020549.5 (MANE Select); coding-DNA position 1663, G replaced by T.
Protein change: p.Glu555Ter; replaces glutamic acid 555 with a stop codon.
Molecular consequence: nonsense.
Genome position (GRCh38, 1-based): chr10:49,655,123, G>T. VCF-style: chr10-49655123-G-T. GRCh37 (hg19) VCF-style: chr10-50863169-G-T.
Other names: c.1309G>T, p.Glu437Ter (NM_001142929.2, NM_001142934.2, NM_020984.4 and 2 more transcripts); c.1417G>T, p.Glu473Ter (NM_001142933.2); short protein forms E437*, E473*, E555*.
Identifiers: ClinVar variation 1324064 (VCV001324064.11), dbSNP rs757303526, ClinGen allele CA206641734.

ClinVar aggregate classification (germline): Pathogenic/Likely pathogenic. Review status: criteria provided, multiple submitters, no conflicts (2 of 4 stars). 4 submissions from 4 submitters: Pathogenic (3); Likely pathogenic (1). Last evaluated 2026-05-10.

Conditions:
Familial infantile myasthenia (CMS6). Also called: MYASTHENIC SYNDROME, PRESYNAPTIC, CONGENITAL, ASSOCIATED WITH EPISODIC APNEA; MYASTHENIC SYNDROME, CONGENITAL, 6, PRESYNAPTIC; Congenital myasthenic syndrome type 6. Identifiers: Orphanet 590, MedGen C0393929, MONDO:0009689, OMIM 254210.

gnomAD v4.1: 10 of 1,613,908 alleles (0.00062%); highest among the groups gnomAD compares: African/African-American, 0.0093%; no homozygotes.

Submissions (4):

GeneDx
Classification: Pathogenic. Last evaluated: 2026-05-10. Review status: criteria provided, single submitter. Criteria: GeneDx Variant Classification Process June 2021. Collection method: clinical testing. Allele origin: germline.
Comment: Nonsense variant predicted to result in protein truncation or nonsense mediated decay in a gene for which loss of function is a known mechanism of disease; This variant is associated with the following publications: (PMID: Tofilo2022[CaseReport], 21786365)

Labcorp Genetics (formerly Invitae), Labcorp
Classification: Pathogenic for Familial infantile myasthenia. Last evaluated: 2025-06-26. Review status: criteria provided, single submitter. Criteria: Invitae Variant Classification Sherloc (09022015). Collection method: clinical testing. Allele origin: germline.
Comment: This sequence change creates a premature translational stop signal (p.Glu555*) in the CHAT gene. It is expected to result in an absent or disrupted protein product. Loss-of-function variants in CHAT are known to be pathogenic (PMID: 12548525, 21786365, 23292760). This variant is present in population databases (no rsID available, gnomAD 0.02%). This premature translational stop signal has been observed in individual(s) with congenital myasthenic syndrome (PMID: 21786365). ClinVar contains an entry for this variant (Variation ID: 1324064). For these reasons, this variant has been classified as Pathogenic.

Baylor Genetics
Classification: Pathogenic for Familial infantile myasthenia. Last evaluated: 2024-03-14. Review status: criteria provided, single submitter. Criteria: ACMG Guidelines, 2015. Collection method: clinical testing. Allele origin: unknown.

Revvity Omics, Revvity
Classification: Likely pathogenic for Familial infantile myasthenia. Last evaluated: 2019-10-28. Review status: criteria provided, single submitter. Criteria: ACMG Guidelines, 2015. Collection method: clinical testing. Allele origin: germline.

Literature cited by the submitters: PubMed 12548525 (cited by Labcorp Genetics (formerly Invitae), Labcorp); PubMed 21786365 (cited by Labcorp Genetics (formerly Invitae), Labcorp); PubMed 23292760 (cited by Labcorp Genetics (formerly Invitae), Labcorp).